The following is an entry in ClinVar:

NM_000321.3(RB1):c.2130C>A (p.Gly710=)

Gene: RB1 (RB transcriptional corepressor 1; plus strand). Cytogenetic location: 13q14.2.
Variant type: single nucleotide variant.
Coding change: c.2130C>A on transcript NM_000321.3 (MANE Select); coding-DNA position 2130, C replaced by A.
Protein change: p.Gly710=; no amino-acid change (glycine 710 retained).
Molecular consequence: synonymous variant.
Genome position (GRCh38, 1-based): chr13:48,463,754, C>A. VCF-style: chr13-48463754-C-A. GRCh37 (hg19) VCF-style: chr13-49037890-C-A.
Other names: c.2130C>A, p.Gly710= (NM_001407165.1).
Identifiers: ClinVar variation 2565220 (VCV002565220.3), dbSNP rs2138342316, ClinGen allele CA483559145.

ClinVar aggregate classification (germline): Likely benign. Review status: criteria provided, multiple submitters, no conflicts (2 of 4 stars). 2 submissions from 2 submitters: Likely benign (2). Last evaluated 2023-11-20.

Conditions:
Hereditary cancer-predisposing syndrome. Also called: Neoplastic Syndromes, Hereditary; Hereditary Cancer Syndrome; Hereditary neoplastic syndrome; Tumor predisposition. Identifiers: Orphanet 140162, MedGen C0027672, MeSH D009386, MONDO:0015356.
Retinoblastoma (RB1). Also called: RETINOBLASTOMA, SOMATIC. Identifiers: Orphanet 790, MedGen C0035335, MeSH D012175, MONDO:0008380, OMIM 180200, HP:0009919. Disease mechanism: loss of function. Inheritance: Both sporadic and heritable forms are tested..

Allele frequency attached by ClinVar (database versions not stated): gnomAD exomes below 0.00001.
gnomAD v4.1: 1 of 1,579,616 alleles (0.000063%); highest among the groups gnomAD compares: Non-Finnish European, 0.000087%; no homozygotes.

Submissions (2):

All of Us Research Program, National Institutes of Health
Classification: Likely benign for Retinoblastoma. Last evaluated: 2023-11-20. Review status: criteria provided, single submitter. Criteria: ACMG Guidelines, 2015. Collection method: clinical testing. Allele origin: germline. Inheritance: Autosomal dominant inheritance. Observed: 1 variant allele, 1 heterozygote.
Comment: This study involves interpretation of variants in research participants for the purpose of population health screening. Participant phenotype was not available at the time of variant classification. Additional details can be found in publication PMID: 35346344, PMCID: PMC8962531

Ambry Genetics
Classification: Likely benign for Hereditary cancer-predisposing syndrome. Last evaluated: 2023-03-31. Review status: criteria provided, single submitter. Criteria: Ambry Variant Classification Scheme 2023. Collection method: clinical testing. Allele origin: germline.